The following is an entry in ClinVar:

ClinVar aggregate classification (germline): Pathogenic (1 of 4 stars; one submission).

Conditions:
Nemaline myopathy 2 (NEM2). Also called: Nemaline myopathy 2, autosomal recessive. Identifiers: MedGen C1850569, MONDO:0009725, OMIM 256030.

Submission:

Labcorp Genetics (formerly Invitae), Labcorp
Classification: Pathogenic for Nemaline myopathy 2. Last evaluated: 2019-09-13. Review status: criteria provided, single submitter. Criteria: Invitae Variant Classification Sherloc (09022015). Collection method: clinical testing. Allele origin: germline.
Comment: This sequence change inserts a large fragment of DNA, likely a transposable element, in exon 120 of the NEB gene (c.18696_18697insSVA), causing a frameshift at codon 6233 (p.Asn6233Glyfs). The exact size and sequence of the insertion cannot be determined by the current assay. However, the insertion is expected to result in an absent or disrupted protein product. This variant is not present in population databases (ExAC no frequency). This variant has not been reported in the literature in individuals with NEB-related conditions. Algorithms developed to predict the effect of sequence changes on RNA splicing suggest that this variant may create or strengthen a splice site, but this prediction has not been confirmed by published transcriptional studies. Retrotransposon insertions including LINE1 (L1), Alu, and SVA (SINE-VNTR-Alu) have been reported to be disease-causing through disruption of either a coding region or splice site (PMID: 19763152, 20307669, 22406018) and loss-of-function variants in NEB are known to be pathogenic (PMID: 25205138). For these reasons, this variant has been classified as Pathogenic.

Literature cited by the submitters: PubMed 25205138; PubMed 19763152; PubMed 20307669; PubMed 22406018.

NM_001271208.2(NEB):c.18696_18697insSVAelement

Gene: NEB (nebulin; minus strand). Cytogenetic location: 2q23.3.
Variant type: Insertion.
Coding change: c.18696_18697insSVAelement on transcript NM_001271208.2; coding-DNA positions 18696 to 18697, an insertion.
Other names: NM_001271208.1:c.18696_18697insSVA.
Identifiers: ClinVar variation 870236 (VCV000870236.1).